The following is an entry in ClinVar:

NC_000016.9:g.(68771367_68772199)_(68772315_68835572)del

Gene: CDH1 (cadherin 1; plus strand). Cytogenetic location: 16q22.1.
Variant type: Deletion.
Identifiers: ClinVar variation 2577040 (VCV002577040.1).

ClinVar aggregate classification (germline): Pathogenic (1 of 4 stars; one submission).

Conditions:
Malignant tumor of breast. Also called: Malignant breast neoplasm; Cancer breast. Identifiers: MedGen C0006142, MONDO:0007254. Disease mechanism: loss of function.

Submission:

Women's Health and Genetics/Laboratory Corporation of America, LabCorp
Classification: Pathogenic for Malignant tumor of breast. Last evaluated: 2023-07-13. Review status: criteria provided, single submitter. Criteria: LabCorp Variant Classification Summary - May 2015. Collection method: clinical testing. Allele origin: germline.
Comment: Variant summary: The variant identified by MLPA or other technology involves the deletion of exon 2 in the CDH1 gene. A presumed nomenclature of c.(48+1_49-1)_(163+1_164-1)del has been designated for the purposes of this classification. Although exact breakpoints of this deletion are not known, it is expected to result in a frameshift in the CDH1 gene, a known mechanism of disease. The variant was absent in 21694 control chromosomes (gnomAD, structural variants dataset). c .(48+1_49-1)_(163+1_164-1)del has been reported in the literature in an individual affected with Breast Cancer (example: Adib_2022). To our knowledge, no experimental evidence demonstrating an impact on protein function has been reported. The following publication has been ascertained in the context of this evaluation (PMID: 34949788). Two submitters have cited clinical-significance assessments for this variant to ClinVar after 2014. All submitters classified the variant as pathogenic. Based on the evidence outlined above, the variant was classified as pathogenic.

Literature cited by the submitters: PubMed 34949788.